The following is an entry in ClinVar:

ClinVar aggregate classification (germline): Uncertain significance (1 of 4 stars; one submission).

Conditions:
Amyotrophic lateral sclerosis type 1 (ALS1). Also called: AMYOTROPHIC LATERAL SCLEROSIS 1, FAMILIAL. Identifiers: Orphanet 803, MedGen C1862939, MONDO:0007103, OMIM 105400.

Submission:

Labcorp Genetics (formerly Invitae), Labcorp
Classification: Uncertain significance for Amyotrophic lateral sclerosis type 1. Last evaluated: 2023-08-15. Review status: criteria provided, single submitter. Criteria: Invitae Variant Classification Sherloc (09022015). Collection method: clinical testing. Allele origin: germline.
Comment: This variant is not present in population databases (gnomAD no frequency). In summary, the available evidence is currently insufficient to determine the role of this variant in disease. Therefore, it has been classified as a Variant of Uncertain Significance. Experimental studies and prediction algorithms are not available or were not evaluated, and the functional significance of this variant is currently unknown. This variant has not been reported in the literature in individuals affected with SOD1-related conditions. This variant, c.443_445del, results in the deletion of 1 amino acid(s) of the SOD1 protein (p.Gly148del), but otherwise preserves the integrity of the reading frame.

NM_000454.5(SOD1):c.440GTG[1] (p.Gly148del)

Gene: SOD1 (superoxide dismutase 1; plus strand). Cytogenetic location: 21q22.11.
Variant type: Microsatellite.
Coding change: c.440GTG[1] on transcript NM_000454.5 (MANE Select); one copy of the 3-base unit GTG starting at c.440; the reference has two copies in a row; one copy, 3 bases deleted.
Protein change: p.Gly148del; deletes glycine 148.
Molecular consequence: inframe deletion.
Genome position (GRCh38, 1-based): chr21:31,668,556-31,668,558, GTG deleted; deleting any 3 consecutive bases within chr21:31,668,553-31,668,558 gives the same sequence; the position shown is the placement nearest the transcript's 3' end. VCF-style (leftmost placement, unchanged base first): chr21-31668552-TGTG-T. GRCh37 (hg19) VCF-style: chr21-33040865-TGTG-T.
Other names: short protein forms G148del.
Identifiers: ClinVar variation 2864516 (VCV002864516.3), dbSNP rs2049619398, ClinGen allele CA2385881093.